The following is an entry in ClinVar:

NM_000089.3(COL1A2):c.-287C>T

Gene: COL1A2 (collagen type I alpha 2 chain; plus strand). Cytogenetic location: 7q21.3.
Variant type: single nucleotide variant.
Coding change: c.-287C>T on transcript NM_000089.3; 287 bases upstream of the start codon, C replaced by T.
Genome position (GRCh38, 1-based): chr7:94,394,745, C>T. VCF-style: chr7-94394745-C-T. GRCh37 (hg19) VCF-style: chr7-94024057-C-T.
Identifiers: ClinVar variation 360939 (VCV000360939.11), dbSNP rs190926256, ClinGen allele CA10629656.

ClinVar aggregate classification (germline): Benign/Likely benign. Review status: criteria provided, multiple submitters, no conflicts (2 of 4 stars). 4 submissions from 3 submitters: Benign (2); Likely benign (2). Last evaluated 2018-06-27.

Conditions:
Ehlers-Danlos syndrome, arthrochalasia type, 2. Also called: EHLERS-DANLOS SYNDROME, TYPE VIIB, AUTOSOMAL DOMINANT. Identifiers: MedGen CN293783, MONDO:0040501, OMIM 617821.
Osteogenesis imperfecta (OI). Identifiers: Orphanet 666, MedGen C0029434, MeSH D010013, MONDO:0019019.

Allele frequency attached by ClinVar (database versions not stated): 1000 Genomes Project 0.00539; gnomAD 0.00907 and 0.00892; 1000 Genomes Project 30x 0.00547; TOPMed 0.00986; gnomAD exomes 0.01129.

Submissions (4):

GeneDx
Classification: Likely benign. Last evaluated: 2018-06-27. Review status: criteria provided, single submitter. Criteria: GeneDx Variant Classification Process June 2021. Collection method: clinical testing. Allele origin: germline. Affected: yes.

Illumina Laboratory Services, Illumina
Classification: Benign for Ehlers-Danlos syndrome, arthrochalasia type, 2. Last evaluated: 2018-01-13. Review status: criteria provided, single submitter. Criteria: ICSL Variant Classification Criteria 13 December 2019. Collection method: clinical testing. Allele origin: germline.
Comment: This variant was observed in the ICSL laboratory as part of a predisposition screen in an ostensibly healthy population. It had not been previously curated by ICSL or reported in the Human Gene Mutation Database (HGMD: prior to June 1st, 2018), and was therefore a candidate for classification through an automated scoring system. Utilizing variant allele frequency, disease prevalence and penetrance estimates, and inheritance mode, an automated score was calculated to assess if this variant is too frequent to cause the disease. Based on the score and internal cut-off values, a variant classified as benign is not then subjected to further curation. The score for this variant resulted in a classification of benign for this disease.

Illumina Laboratory Services, Illumina
Classification: Benign for Osteogenesis imperfecta. Last evaluated: 2018-01-13. Review status: criteria provided, single submitter. Criteria: ICSL Variant Classification Criteria 13 December 2019. Collection method: clinical testing. Allele origin: germline.
Comment: the same text as in the submission from Illumina Laboratory Services, Illumina above.

Breakthrough Genomics
Classification: Likely benign. Review status: criteria provided, single submitter. Criteria: ACMG Guidelines, 2015. Collection method: not provided. Allele origin: germline. Inheritance: Autosomal recessive inheritance. Affected: yes.